The following is an entry in ClinVar:

ClinVar aggregate classification (germline): Uncertain significance (1 of 4 stars; one submission).

Conditions:
Epidermolysis bullosa simplex 5C, with pyloric atresia (EBS5C). Also called: PLEC-Related Epidermolysis Bullosa with Pyloric Atresia; Epidermolysis bullosa simplex with pyloric atresia; PLEC1-Related Epidermolysis Bullosa with Pyloric Atresia. Identifiers: Orphanet 158684, MedGen C2677349, MONDO:0012807, OMIM 612138.
Epidermolysis bullosa simplex with nail dystrophy (EBS5D). Identifiers: MedGen C4225309, MONDO:0014661, OMIM 616487.
Epidermolysis bullosa simplex 5B, with muscular dystrophy (EBS5B). Also called: Epidermolysis bullosa simplex with muscular dystrophy; EPIDERMOLYSIS BULLOSA SIMPLEX AND LIMB-GIRDLE MUSCULAR DYSTROPHY. Identifiers: Orphanet 257, MedGen C2931072, MONDO:0009181, OMIM 226670.
Autosomal recessive limb-girdle muscular dystrophy type 2Q (LGMDR17). Also called: MUSCULAR DYSTROPHY, LIMB-GIRDLE, AUTOSOMAL RECESSIVE 17. Identifiers: Orphanet 254361, MedGen C3150989, MONDO:0013390, OMIM 613723.
Epidermolysis bullosa simplex, Ogna type (EBS5A). Also called: Pidermolysis bullosa simplex 5A, Ogna type; EPIDERMOLYSIS BULLOSA SIMPLEX 5A, OGNA TYPE. Identifiers: Orphanet 79401, MedGen C0432317, MONDO:0007555, OMIM 131950.

Allele frequency attached by ClinVar (database versions not stated): gnomAD 0.00001; TOPMed 0.00002.
gnomAD v4.1: 14 of 1,612,862 alleles (0.00087%); highest among the groups gnomAD compares: Middle Eastern, 0.016%; no homozygotes.

Submission:

Labcorp Genetics (formerly Invitae), Labcorp
Classification: Uncertain significance for Autosomal recessive limb-girdle muscular dystrophy type 2Q; Epidermolysis bullosa simplex, Ogna type; Epidermolysis bullosa simplex with nail dystrophy; Epidermolysis bullosa simplex 5C, with pyloric atresia; Epidermolysis bullosa simplex 5B, with muscular dystrophy. Last evaluated: 2022-02-04. Review status: criteria provided, single submitter. Criteria: Invitae Variant Classification Sherloc (09022015). Collection method: clinical testing. Allele origin: germline.
Comment: In summary, the available evidence is currently insufficient to determine the role of this variant in disease. Therefore, it has been classified as a Variant of Uncertain Significance. Algorithms developed to predict the effect of missense changes on protein structure and function are either unavailable or do not agree on the potential impact of this missense change (SIFT: "Deleterious"; PolyPhen-2: "Probably Damaging"; Align-GVGD: "Class C15"). ClinVar contains an entry for this variant (Variation ID: 572917). This variant has not been reported in the literature in individuals affected with PLEC-related conditions. This variant is present in population databases (no rsID available, gnomAD 0.002%). This sequence change replaces aspartic acid, which is acidic and polar, with asparagine, which is neutral and polar, at codon 4231 of the PLEC protein (p.Asp4231Asn).

NM_201384.3(PLEC):c.12610G>A (p.Asp4204Asn)

Gene: PLEC (plectin; minus strand). Cytogenetic location: 8q24.3.
Variant type: single nucleotide variant.
Coding change: c.12610G>A on transcript NM_201384.3 (MANE Select); coding-DNA position 12610, G replaced by A.
Protein change: p.Asp4204Asn; replaces aspartic acid 4204 with asparagine.
Molecular consequence: missense variant.
Genome position (GRCh38, 1-based): chr8:143,917,211, C>T on the plus strand (G>A on the coding strand, the complement: PLEC is on the minus strand). VCF-style: chr8-143917211-C-T. GRCh37 (hg19) VCF-style: chr8-144991379-C-T.
Other names: c.12691G>A, p.Asp4231Asn (NM_000445.5); c.12568G>A, p.Asp4190Asn (NM_201378.4); c.12544G>A, p.Asp4182Asn (NM_201379.3); c.13021G>A, p.Asp4341Asn (NM_201380.4); c.12514G>A, p.Asp4172Asn (NM_201381.3); c.12610G>A, p.Asp4204Asn (NM_201382.4); c.12622G>A, p.Asp4208Asn (NM_201383.3); short protein forms D4208N, D4172N, D4231N, D4341N, D4182N, D4204N, D4190N.
Identifiers: ClinVar variation 572917 (VCV000572917.10), dbSNP rs781906543, ClinGen allele CA372480334.
Genomic context (GRCh38, chr8:143,917,211, plus strand): 5'-CGCGGTACTGGTCCAGTGCCGAGCGGTCGATGAGGTTCTTGGCGATGGCATCATCGATGT[C>T]GTACTGGCGCCCGGAGCGGCGGTCGATGATCATGGACTTGACCACGCCGTCCGAGGAGGA-3'
Protein context (NP_958786.1, residues 4194-4214): IIDRRSGRQY[Asp4204Asn]IDDAIAKNLI